The following is an entry in ClinVar:

ClinVar aggregate classification (germline): Uncertain significance (1 of 4 stars; one submission).

Conditions:
Dilated cardiomyopathy 1G (CMD1G). Identifiers: Orphanet 154, MedGen C1858763, MONDO:0011400, OMIM 604145.
Autosomal recessive limb-girdle muscular dystrophy type 2J (LGMDR10). Also called: Limb-girdle muscular dystrophy, type 2J; MUSCULAR DYSTROPHY, LIMB-GIRDLE, AUTOSOMAL RECESSIVE 10. Identifiers: Orphanet 140922, MedGen C1837342, MONDO:0012127, OMIM 608807.

Allele frequency attached by ClinVar (database versions not stated): gnomAD exomes below 0.00001.
gnomAD v4.1: 2 of 1,613,790 alleles (0.00012%); highest among the groups gnomAD compares: Non-Finnish European, 0.00017%; no homozygotes.

Submission:

Labcorp Genetics (formerly Invitae), Labcorp
Classification: Uncertain significance for Dilated cardiomyopathy 1G; Autosomal recessive limb-girdle muscular dystrophy type 2J. Last evaluated: 2023-10-03. Review status: criteria provided, single submitter. Criteria: Invitae Variant Classification Sherloc (09022015). Collection method: clinical testing. Allele origin: germline.
Comment: This sequence change replaces histidine, which is basic and polar, with aspartic acid, which is acidic and polar, at codon 31742 of the TTN protein (p.His31742Asp). This variant is not present in population databases (gnomAD no frequency). This variant has not been reported in the literature in individuals affected with TTN-related conditions. ClinVar contains an entry for this variant (Variation ID: 1947127). Experimental studies and prediction algorithms are not available or were not evaluated, and the functional significance of this variant is currently unknown. This variant is located in the A band of TTN (PMID: 25589632). Variants in this region may be relevant for cardiac or neuromuscular disorders (PMID: 25589632, 23975875). In summary, the available evidence is currently insufficient to determine the role of this variant in disease. Therefore, it has been classified as a Variant of Uncertain Significance.

Literature cited by the submitters: PubMed 25589632; PubMed 23975875.

NM_001267550.2(TTN):c.95224C>G (p.His31742Asp)

Genes: TTN-AS1 (TTN antisense RNA 1; plus strand), TTN (titin; minus strand). Cytogenetic location: 2q31.2.
Variant type: single nucleotide variant.
Coding change: c.95224C>G on transcript NM_001267550.2 (MANE Select); coding-DNA position 95224, C replaced by G.
Protein change: p.His31742Asp; replaces histidine 31742 with aspartic acid.
Molecular consequence: missense variant.
Genome position (GRCh38, 1-based): chr2:178,546,012, G>C on the plus strand (C>G on the coding strand, the complement: TTN is on the minus strand). VCF-style: chr2-178546012-G-C. GRCh37 (hg19) VCF-style: chr2-179410739-G-C.
Other names: c.90301C>G, p.His30101Asp (NM_001256850.1); c.68029C>G, p.His22677Asp (NM_003319.4); c.87520C>G, p.His29174Asp (NM_133378.4); c.68404C>G, p.His22802Asp (NM_133432.3); c.68605C>G, p.His22869Asp (NM_133437.4); short protein forms H29174D, H31742D, H22869D, H22677D, H30101D, H22802D.
Identifiers: ClinVar variation 1947127 (VCV001947127.4), dbSNP rs1696933674, ClinGen allele CA349463936.